The following is an entry in ClinVar:

ClinVar aggregate classification (germline): Likely benign (1 of 4 stars; one submission).

gnomAD v4.1: 1 of 1,614,222 alleles (0.000062%); highest among the groups gnomAD compares: Admixed American, 0.0017%; no homozygotes.

Submission:

CeGaT Center for Human Genetics Tuebingen
Classification: Likely benign. Last evaluated: 2026-06-01. Review status: criteria provided, single submitter. Criteria: CeGaT Center For Human Genetics Tuebingen Variant Classification Criteria Version 2. Collection method: clinical testing. Allele origin: germline. Affected: yes. Observed: 1 variant allele.
Comment: SETX: BP4

NM_015046.7(SETX):c.7639A>G (p.Ile2547Val)

Gene: SETX (senataxin; minus strand). Cytogenetic location: 9q34.13.
Variant type: single nucleotide variant.
Coding change: c.7639A>G on transcript NM_015046.7 (MANE Select); coding-DNA position 7639, A replaced by G.
Protein change: p.Ile2547Val; replaces isoleucine 2547 with valine.
Molecular consequence: missense variant.
Genome position (GRCh38, 1-based): chr9:132,264,634, T>C on the plus strand (A>G on the coding strand, the complement: SETX is on the minus strand). VCF-style: chr9-132264634-T-C. GRCh37 (hg19) VCF-style: chr9-135140021-T-C.
Other names: c.7639A>G, p.Ile2547Val (NM_001351527.2); c.7726A>G, p.Ile2576Val (NM_001351528.2); short protein forms I2547V, I2576V.
Identifiers: ClinVar variation 4874233 (VCV004874233.2).